The following is an entry in ClinVar:

ClinVar aggregate classification (germline): Uncertain significance (1 of 4 stars; one submission).

Conditions:
Epidermolysis bullosa simplex 3, localized or generalized intermediate, with BP230 deficiency (EBS3). Also called: Epidermolysis bullosa simplex, autosomal recessive 2; Epidermolysis bullosa simplex due to BP230 deficiency. Identifiers: Orphanet 412181, MedGen C3809470, MONDO:0014180, OMIM 615425.
Hereditary sensory and autonomic neuropathy type 6. Also called: HSAN VI; Neuropathy, hereditary sensory and autonomic, type VI. Identifiers: Orphanet 314381, MedGen C3539003, MONDO:0013839, OMIM 614653.

gnomAD v4.1: 5 of 1,607,360 alleles (0.00031%); highest among the groups gnomAD compares: Non-Finnish European, 0.00042%; no homozygotes.

Submission:

Labcorp Genetics (formerly Invitae), Labcorp
Classification: Uncertain significance for Epidermolysis bullosa simplex 3, localized or generalized intermediate, with BP230 deficiency; Hereditary sensory and autonomic neuropathy type 6. Last evaluated: 2025-05-06. Review status: criteria provided, single submitter. Criteria: Invitae Variant Classification Sherloc (09022015). Collection method: clinical testing. Allele origin: germline.
Comment: The DST gene has multiple clinically relevant transcripts. This variant occurs in alternate transcript NM_015548.4, and corresponds to NM_001723.5:c.*15458G>T in the primary transcript. This sequence change falls in intron 26 of the DST gene. It does not directly change the encoded amino acid sequence of the DST protein. This variant is present in population databases (no rsID available, gnomAD 0.002%). This variant has not been reported in the literature in individuals affected with DST-related conditions. Experimental studies and prediction algorithms are not available or were not evaluated, and the effect of this variant on mRNA splicing is currently unknown. In summary, the available evidence is currently insufficient to determine the role of this variant in disease. Therefore, it has been classified as a Variant of Uncertain Significance.

NM_001374736.1(DST):c.11694+10G>T

Gene: DST (dystonin; minus strand). Cytogenetic location: 6p12.1.
Variant type: single nucleotide variant.
Coding change: c.11694+10G>T on transcript NM_001374736.1 (MANE Select); 10 bases into the intron after coding-DNA position 11694, G replaced by T.
Molecular consequence: intron variant.
Genome position (GRCh38, 1-based): chr6:56,600,059, C>A on the plus strand (G>T on the coding strand, the complement: DST is on the minus strand). VCF-style: chr6-56600059-C-A. GRCh37 (hg19) VCF-style: chr6-56464857-C-A.
Other names: c.5337+10G>T (NM_001144769.5); c.11694+10G>T (NM_001374722.1); c.11721+10G>T (NM_001374734.1); c.4923+10G>T (NM_001144770.2); c.4803+10G>T (NM_001374730.1, NM_001386100.1, NM_183380.4); c.11061+10G>T (NM_001374729.1); c.3825+10G>T (NM_015548.5).
Identifiers: ClinVar variation 4787651 (VCV004787651.1).